The following is an entry in ClinVar:

ClinVar aggregate classification (germline): Uncertain significance. Review status: criteria provided, multiple submitters, no conflicts (2 of 4 stars). 2 submissions from 2 submitters: Uncertain significance (2). Last evaluated 2025-11-19.

Conditions:
Inborn genetic diseases. Identifiers: MedGen C0950123, MeSH D030342.

gnomAD v4.1: 8 of 1,550,650 alleles (0.00052%); highest among the groups gnomAD compares: African/African-American, 0.0096%; no homozygotes.

Submissions (2):

Ambry Genetics
Classification: Uncertain significance for Inborn genetic diseases. Last evaluated: 2025-11-19. Review status: criteria provided, single submitter. Criteria: Ambry Variant Classification Scheme 2023. Collection method: clinical testing. Allele origin: germline.

Labcorp Genetics (formerly Invitae), Labcorp
Classification: Uncertain significance. Last evaluated: 2025-08-20. Review status: criteria provided, single submitter. Criteria: Invitae Variant Classification Sherloc (09022015). Collection method: clinical testing. Allele origin: germline.
Comment: This sequence change replaces serine, which is neutral and polar, with tryptophan, which is neutral and slightly polar, at codon 126 of the TONSL protein (p.Ser126Trp). This variant is present in population databases (no rsID available, gnomAD 0.02%). This variant has not been reported in the literature in individuals affected with TONSL-related conditions. Invitae Evidence Modeling of protein sequence and biophysical properties (such as structural, functional, and spatial information, amino acid conservation, physicochemical variation, residue mobility, and thermodynamic stability) indicates that this missense variant is expected to disrupt TONSL protein function with a positive predictive value of 80%. In summary, the available evidence is currently insufficient to determine the role of this variant in disease. Therefore, it has been classified as a Variant of Uncertain Significance.

NM_013432.5(TONSL):c.377C>G (p.Ser126Trp)

Gene: TONSL (tonsoku like, DNA repair protein; minus strand). Cytogenetic location: 8q24.3.
Variant type: single nucleotide variant.
Coding change: c.377C>G on transcript NM_013432.5 (MANE Select); coding-DNA position 377, C replaced by G.
Protein change: p.Ser126Trp; replaces serine 126 with tryptophan.
Molecular consequence: missense variant.
Genome position (GRCh38, 1-based): chr8:144,443,209, G>C on the plus strand (C>G on the coding strand, the complement: TONSL is on the minus strand). VCF-style: chr8-144443209-G-C. GRCh37 (hg19) VCF-style: chr8-145668592-G-C.
Other names: short protein forms S126W.
Identifiers: ClinVar variation 4633407 (VCV004633407.2).